The following is an entry in ClinVar:

ClinVar aggregate classification (germline): Uncertain significance (1 of 4 stars; one submission).

Conditions:
Fanconi anemia (FA). Also called: Fanconi's anemia. Identifiers: Orphanet 84, MedGen C0015625, MeSH D005199, MONDO:0019391.

gnomAD v4.1: 1 of 1,603,114 alleles (0.000062%); highest among the groups gnomAD compares: South Asian, 0.0011%; no homozygotes.

Submission:

Labcorp Genetics (formerly Invitae), Labcorp
Classification: Uncertain significance for Fanconi anemia. Last evaluated: 2022-02-02. Review status: criteria provided, single submitter. Criteria: Invitae Variant Classification Sherloc (09022015). Collection method: clinical testing. Allele origin: germline.
Comment: In summary, the available evidence is currently insufficient to determine the role of this variant in disease. Therefore, it has been classified as a Variant of Uncertain Significance. Algorithms developed to predict the effect of missense changes on protein structure and function output the following: SIFT: "Tolerated"; PolyPhen-2: "Benign"; Align-GVGD: "Class C0". The lysine amino acid residue is found in multiple mammalian species, which suggests that this missense change does not adversely affect protein function. This variant has not been reported in the literature in individuals affected with SLX4-related conditions. This variant is not present in population databases (gnomAD no frequency). This sequence change replaces asparagine, which is neutral and polar, with lysine, which is basic and polar, at codon 1459 of the SLX4 protein (p.Asn1459Lys).

NM_032444.4(SLX4):c.4377C>G (p.Asn1459Lys)

Gene: SLX4 (SLX4 structure-specific endonuclease subunit; minus strand). Cytogenetic location: 16p13.3.
Variant type: single nucleotide variant.
Coding change: c.4377C>G on transcript NM_032444.4 (MANE Select); coding-DNA position 4377, C replaced by G.
Protein change: p.Asn1459Lys; replaces asparagine 1459 with lysine.
Molecular consequence: missense variant.
Genome position (GRCh38, 1-based): chr16:3,589,261, G>C on the plus strand (C>G on the coding strand, the complement: SLX4 is on the minus strand). VCF-style: chr16-3589261-G-C. GRCh37 (hg19) VCF-style: chr16-3639262-G-C.
Other names: short protein forms N1459K.
Identifiers: ClinVar variation 1467706 (VCV001467706.8), dbSNP rs773941480, ClinGen allele CA394517257.